The following is an entry in ClinVar:

NM_001184.4(ATR):c.3690T>C (p.Thr1230=)

Gene: ATR (ATR checkpoint kinase; minus strand). Cytogenetic location: 3q23.
Variant type: single nucleotide variant.
Coding change: c.3690T>C on transcript NM_001184.4 (MANE Select); coding-DNA position 3690, T replaced by C.
Protein change: p.Thr1230=; no amino-acid change (threonine 1230 retained).
Molecular consequence: synonymous variant.
Genome position (GRCh38, 1-based): chr3:142,538,517, A>G on the plus strand (T>C on the coding strand, the complement: ATR is on the minus strand). VCF-style: chr3-142538517-A-G. GRCh37 (hg19) VCF-style: chr3-142257359-A-G.
Other names: c.3498T>C, p.Thr1166= (NM_001354579.2).
Identifiers: ClinVar variation 1117698 (VCV001117698.35), dbSNP rs776691983, ClinGen allele CA2650037.

ClinVar aggregate classification (germline): Likely benign. Review status: criteria provided, multiple submitters, no conflicts (2 of 4 stars). 5 submissions from 4 submitters: Likely benign (5). Last evaluated 2025-07-01.

Conditions:
Seckel syndrome 1 (SCKL1). Also called: MICROCEPHALIC PRIMORDIAL DWARFISM I. Identifiers: Orphanet 808, MedGen C4551474, MONDO:0008869, OMIM 210600.
Inborn genetic diseases. Identifiers: MedGen C0950123, MeSH D030342.
Familial cutaneous telangiectasia and oropharyngeal predisposition cancer syndrome. Identifiers: Orphanet 313846, MedGen C3281203, MONDO:0013806, OMIM 614564.

Allele frequency attached by ClinVar (database versions not stated): gnomAD 0.00001; gnomAD exomes 0.00001.
gnomAD v4.1: 16 of 1,613,222 alleles (0.00099%); highest among the groups gnomAD compares: Middle Eastern, 0.033%; no homozygotes.

Submissions (5):

CeGaT Center for Human Genetics Tuebingen
Classification: Likely benign. Last evaluated: 2025-07-01. Review status: criteria provided, single submitter. Criteria: CeGaT Center For Human Genetics Tuebingen Variant Classification Criteria Version 2. Collection method: clinical testing. Allele origin: germline. Affected: yes. Observed: 2 variant alleles.
Comment: ATR: BP4, BP7

Labcorp Genetics (formerly Invitae), Labcorp
Classification: Likely benign. Last evaluated: 2024-04-06. Review status: criteria provided, single submitter. Criteria: Invitae Variant Classification Sherloc (09022015). Collection method: clinical testing. Allele origin: germline.

Genome-Nilou Lab
Classification: Likely benign for Seckel syndrome 1. Last evaluated: 2023-02-08. Review status: criteria provided, single submitter. Criteria: ACMG Guidelines, 2015. Collection method: clinical testing. Allele origin: germline.

Genome-Nilou Lab
Classification: Likely benign for Familial cutaneous telangiectasia and oropharyngeal predisposition cancer syndrome. Last evaluated: 2023-02-08. Review status: criteria provided, single submitter. Criteria: ACMG Guidelines, 2015. Collection method: clinical testing. Allele origin: germline.

Ambry Genetics
Classification: Likely benign for Inborn genetic diseases. Last evaluated: 2022-06-30. Review status: criteria provided, single submitter. Criteria: Ambry Variant Classification Scheme 2023. Collection method: clinical testing. Allele origin: germline.